The following is an entry in ClinVar:

NM_001384140.1(PCDH15):c.2128G>A (p.Val710Ile)

Gene: PCDH15 (protocadherin related 15; minus strand). Cytogenetic location: 10q21.1.
Variant type: single nucleotide variant.
Coding change: c.2128G>A on transcript NM_001384140.1 (MANE Select); coding-DNA position 2128, G replaced by A.
Protein change: p.Val710Ile; replaces valine 710 with isoleucine.
Molecular consequence: missense variant.
Genome position (GRCh38, 1-based): chr10:54,066,849, C>T on the plus strand (G>A on the coding strand, the complement: PCDH15 is on the minus strand). VCF-style: chr10-54066849-C-T. GRCh37 (hg19) VCF-style: chr10-55826609-C-T.
Other names: c.2143G>A, p.Val715Ile (NM_001142763.2, NM_001142771.2); c.2128G>A, p.Val710Ile (NM_001142764.2, NM_001142766.2, NM_001142770.3 and 5 more transcripts); c.1915G>A, p.Val639Ile (NM_001142765.2); c.2017G>A, p.Val673Ile (NM_001142767.2); c.2062G>A, p.Val688Ile (NM_001142768.2, NM_001142773.2, NM_001354404.2); c.2164G>A, p.Val722Ile (NM_001142769.4); c.2149G>A, p.Val717Ile (NM_001354411.2); short protein forms V639I, V673I, V688I, V710I, V715I, V717I, V722I.
Identifiers: ClinVar variation 1052068 (VCV001052068.8), dbSNP rs1471005419, ClinGen allele CA376517293.

ClinVar aggregate classification (germline): Uncertain significance. Review status: criteria provided, single submitter (1 of 4 stars). 2 submissions from 2 submitters: Uncertain significance (1). 1 of the submissions does not count toward it. Last evaluated 2022-10-03.

Conditions:
Usher syndrome type 1F (USH1F). Also called: USHER SYNDROME, TYPE IF. Identifiers: Orphanet 231169, Orphanet 886, MedGen C1865885, MONDO:0011186, OMIM 602083.

Allele frequency attached by ClinVar (database versions not stated): gnomAD exomes below 0.00001; TOPMed below 0.00001.
gnomAD v4.1: 1 of 1,613,360 alleles (0.000062%); highest among the groups gnomAD compares: Non-Finnish European, 0.000085%; no homozygotes.

Submissions (2):

Labcorp Genetics (formerly Invitae), Labcorp
Classification: Uncertain significance. Last evaluated: 2022-10-03. Review status: criteria provided, single submitter. Criteria: Invitae Variant Classification Sherloc (09022015). Collection method: clinical testing. Allele origin: germline.
Comment: In summary, the available evidence is currently insufficient to determine the role of this variant in disease. Therefore, it has been classified as a Variant of Uncertain Significance. Advanced modeling of protein sequence and biophysical properties (such as structural, functional, and spatial information, amino acid conservation, physicochemical variation, residue mobility, and thermodynamic stability) performed at Invitae indicates that this missense variant is not expected to disrupt PCDH15 protein function. ClinVar contains an entry for this variant (Variation ID: 1052068). This variant has not been reported in the literature in individuals affected with PCDH15-related conditions. This variant is not present in population databases (gnomAD no frequency). This sequence change replaces valine, which is neutral and non-polar, with isoleucine, which is neutral and non-polar, at codon 710 of the PCDH15 protein (p.Val710Ile).

Natera, Inc.
Classification: Uncertain significance for Usher syndrome type 1F. Last evaluated: 2021-10-14. Review status: no assertion criteria provided. Collection method: clinical testing. Allele origin: germline. Not counted in ClinVar's aggregate classification.